The following is an entry in ClinVar:

NM_017763.6(RNF43):c.583-19CT[2]

Gene: RNF43 (ring finger protein 43; minus strand). Cytogenetic location: 17q22.
Variant type: Microsatellite.
Coding change: c.583-19CT[2] on transcript NM_017763.6 (MANE Select); two copies in a row of the 2-base unit CT starting at c.583-19; the reference has three copies in a row; one copy, 2 bases deleted.
Molecular consequence: intron variant.
Genome position (GRCh38, 1-based): chr17:58,362,662-58,362,663, AG deleted on the plus strand (CT on the coding strand, the reverse complement: RNF43 is on the minus strand); deleting any 2 consecutive bases within chr17:58,362,662-58,362,667 gives the same sequence; the position shown is the placement nearest the transcript's 3' end. VCF-style (leftmost placement, unchanged base first): chr17-58362661-CAG-C. GRCh37 (hg19) VCF-style: chr17-56440022-CAG-C.
Other names: c.583-19CT[2] (NM_001438822.1, NM_001305544.3, NM_001438820.1 and 1 more transcripts); c.202-19CT[2] (NM_001305545.2, NM_001437987.1).
Identifiers: ClinVar variation 4875775 (VCV004875775.1).
Genomic context (GRCh38, chr17:58,362,661, plus strand): 5'-AAAGATGGTGCCCACCACTGTCATTAGGATCCACACATCATAATCTGGCTGGGGAGTGAG[CAG>C]AGAGGGAAAGGGTCATACTTCCGGGATGAGCTGGGTCAATTCGGGAGGAAACACAGGAGC-3'

ClinVar aggregate classification (germline): Likely benign (1 of 4 stars; one submission).

Conditions:
Sessile serrated polyposis cancer syndrome (SSPCS). Identifiers: Orphanet 157798, MedGen C4310714, MONDO:0014919, OMIM 617108.

Submission:

Myriad Genetics, Inc.
Classification: Likely benign for Sessile serrated polyposis cancer syndrome. Last evaluated: 2026-06-26. Review status: criteria provided, single submitter. Criteria: Myriad Autosomal Dominant, Autosomal Recessive and X-Linked Classification Criteria (2023). Collection method: clinical testing. Allele origin: unknown.
Comment: This variant is considered likely benign. This variant is intronic and is not expected to impact mRNA splicing.